The following is an entry in ClinVar:

NM_000868.4(HTR2C):c.124G>C (p.Asp42His)

Gene: HTR2C (5-hydroxytryptamine receptor 2C; plus strand). Cytogenetic location: Xq23.
Variant type: single nucleotide variant.
Coding change: c.124G>C on transcript NM_000868.4 (MANE Select); coding-DNA position 124, G replaced by C.
Protein change: p.Asp42His; replaces aspartic acid 42 with histidine.
Molecular consequence: missense variant.
Genome position (GRCh38, 1-based): chrX:114,731,382, G>C. VCF-style: chrX-114731382-G-C. GRCh37 (hg19) VCF-style: chrX-113965791-G-C.
Other names: c.124G>C, p.Asp42His (NM_001256760.3, NM_001256761.3); short protein forms D42H.
Identifiers: ClinVar variation 738592 (VCV000738592.5), dbSNP rs143566182, ClinGen allele CA10495398.

ClinVar aggregate classification (germline): Likely benign. Review status: criteria provided, single submitter (1 of 4 stars). 2 submissions from 2 submitters: Likely benign (1). 1 of the submissions does not count toward it. Last evaluated 2018-10-10.

Conditions:
HTR2C-related disorder. Also called: HTR2C-related condition.

Allele frequency attached by ClinVar (database versions not stated): gnomAD exomes 0.00023; ExAC 0.00028; gnomAD 0.00074 and 0.00078; ESP Exome Variant Server 0.00076; TOPMed 0.00077; 1000 Genomes Project 0.00079; 1000 Genomes Project 30x 0.00104.
gnomAD v4.1: 180 of 1,202,185 alleles (0.015%); highest among the groups gnomAD compares: African/African-American, 0.3%; no homozygotes.

Submissions (2):

Labcorp Genetics (formerly Invitae), Labcorp
Classification: Likely benign. Last evaluated: 2018-10-10. Review status: criteria provided, single submitter. Criteria: Invitae Variant Classification Sherloc (09022015). Collection method: clinical testing. Allele origin: germline.

PreventionGenetics, part of Exact Sciences
Classification: Likely benign for HTR2C-related condition. Last evaluated: 2021-09-13. Review status: no assertion criteria provided. Collection method: clinical testing. Allele origin: germline. Not counted in ClinVar's aggregate classification.
Comment: This variant is classified as likely benign based on ACMG/AMP sequence variant interpretation guidelines (Richards et al. 2015 PMID: 25741868, with internal and published modifications).